The following is an entry in ClinVar:

ClinVar aggregate classification (germline): Likely benign. Review status: criteria provided, single submitter (1 of 4 stars). 2 submissions from 2 submitters: Likely benign (1). 1 of the submissions does not count toward it. Last evaluated 2024-09-11.

Conditions:
GAA-related disorder. Also called: GAA-related condition.

Submissions (2):

Blueprint Genetics
Classification: Likely benign. Last evaluated: 2024-09-11. Review status: criteria provided, single submitter. Criteria: ACMG Guidelines, 2015. Collection method: clinical testing. Allele origin: germline.

PreventionGenetics, part of Exact Sciences
Classification: Likely benign for GAA-related condition. Last evaluated: 2023-11-20. Review status: no assertion criteria provided. Collection method: clinical testing. Allele origin: germline. Not counted in ClinVar's aggregate classification.
Comment: This variant is classified as likely benign based on ACMG/AMP sequence variant interpretation guidelines (Richards et al. 2015 PMID: 25741868, with internal and published modifications).

NM_000152.5(GAA):c.858+7_858+8insAGCG

Gene: GAA (alpha glucosidase; plus strand). Cytogenetic location: 17q25.3.
Variant type: Insertion.
Coding change: c.858+7_858+8insAGCG on transcript NM_000152.5 (MANE Select); bases 7 to 8 of the intron after coding-DNA position 858, AGCG inserted.
Molecular consequence: intron variant.
Genome position: GRCh38 VCF-style: chr17-80107729-C-CAGCG. GRCh37 (hg19) VCF-style: chr17-78081528-C-CAGCG.
Other names: c.858+7_858+8insAGCG (NM_001406741.1, NM_001406742.1, NM_001079803.3 and 1 more transcripts).
Identifiers: ClinVar variation 3036847 (VCV003036847.3), dbSNP rs372331052, ClinGen allele CA8815040.